The following is an entry in ClinVar:

NM_014159.7(SETD2):c.3290A>G (p.Tyr1097Cys)

Gene: SETD2 (SET domain containing 2, histone lysine methyltransferase; minus strand). Cytogenetic location: 3p21.31.
Variant type: single nucleotide variant.
Coding change: c.3290A>G on transcript NM_014159.7 (MANE Select); coding-DNA position 3290, A replaced by G.
Protein change: p.Tyr1097Cys; replaces tyrosine 1097 with cysteine.
Molecular consequence: missense variant. On other transcripts: non-coding transcript variant (1).
Genome position (GRCh38, 1-based): chr3:47,121,346, T>C on the plus strand (A>G on the coding strand, the complement: SETD2 is on the minus strand). VCF-style: chr3-47121346-T-C. GRCh37 (hg19) VCF-style: chr3-47162836-T-C.
Other names: c.3158A>G, p.Tyr1053Cys (NM_001349370.3); short protein forms Y1053C, Y1097C.
Identifiers: ClinVar variation 999287 (VCV000999287.5), dbSNP rs146397596, ClinGen allele CA2363406.
Genomic context (GRCh38, chr3:47,121,346, plus strand): 5'-AATTTTTCCTCATACAAATGTCTCCTTGACTCCAATCTCTCATCTTCCCAATGGTCAGAA[T>C]AGTGTCTATAACTTTGACTGCTCCGAGAAGAACAAGGACTTGTTTCTTCCATGGGCAAAG-3'
Protein context (NP_054878.5, residues 1087-1107): SSRSSQSYRH[Tyr1097Cys]SDHWEDERLE

ClinVar aggregate classification (germline): Uncertain significance (1 of 4 stars; one submission).

Conditions:
Luscan-Lumish syndrome. Identifiers: Orphanet 597738, MedGen C4085873, MONDO:0014791, OMIM 616831.

Allele frequency attached by ClinVar (database versions not stated): ExAC 0.00001; gnomAD 0.00001; gnomAD exomes 0.00001 and 0.00006; TOPMed 0.00001; ESP Exome Variant Server 0.00008.
gnomAD v4.1: 84 of 1,610,228 alleles (0.0052%); highest among the groups gnomAD compares: Non-Finnish European, 0.007%; no homozygotes.

Submission:

Labcorp Genetics (formerly Invitae), Labcorp
Classification: Uncertain significance for Luscan-Lumish syndrome. Last evaluated: 2022-02-10. Review status: criteria provided, single submitter. Criteria: Invitae Variant Classification Sherloc (09022015). Collection method: clinical testing. Allele origin: germline.
Comment: In summary, the available evidence is currently insufficient to determine the role of this variant in disease. Therefore, it has been classified as a Variant of Uncertain Significance. Algorithms developed to predict the effect of missense changes on protein structure and function output the following: SIFT: "Deleterious"; PolyPhen-2: "Benign"; Align-GVGD: "Class C0". The cysteine amino acid residue is found in multiple mammalian species, which suggests that this missense change does not adversely affect protein function. ClinVar contains an entry for this variant (Variation ID: 999287). This variant has not been reported in the literature in individuals affected with SETD2-related conditions. This variant is present in population databases (rs146397596, gnomAD 0.008%). This sequence change replaces tyrosine, which is neutral and polar, with cysteine, which is neutral and slightly polar, at codon 1097 of the SETD2 protein (p.Tyr1097Cys).